The following is an entry in ClinVar:

NM_000398.7(CYB5R3):c.574C>T (p.Arg192Cys)

Gene: CYB5R3 (cytochrome b5 reductase 3; minus strand). Cytogenetic location: 22q13.2.
Variant type: single nucleotide variant.
Coding change: c.574C>T on transcript NM_000398.7 (MANE Select); coding-DNA position 574, C replaced by T.
Protein change: p.Arg192Cys; replaces arginine 192 with cysteine.
Molecular consequence: missense variant.
Genome position (GRCh38, 1-based): chr22:42,627,363, G>A on the plus strand (C>T on the coding strand, the complement: CYB5R3 is on the minus strand). VCF-style: chr22-42627363-G-A. GRCh37 (hg19) VCF-style: chr22-43023369-G-A.
Other names: c.505C>T, p.Arg169Cys (NM_001129819.2, NM_001171661.1, NM_007326.4); c.673C>T, p.Arg225Cys (NM_001171660.2); c.673C>T (NM_001171660.1); c.574C>T (NM_000398.6); short protein forms R169C, R192C, R225C.
Identifiers: ClinVar variation 1324199 (VCV001324199.12), dbSNP rs543277216, ClinGen allele CA10269654.

ClinVar aggregate classification (germline): Pathogenic/Likely pathogenic. Review status: criteria provided, multiple submitters, no conflicts (2 of 4 stars). 7 submissions from 7 submitters: Pathogenic (3); Likely pathogenic (4). Last evaluated 2025-03-20.

Conditions:
Deficiency of cytochrome-b5 reductase. Also called: METHEMOGLOBINEMIA, CONGENITAL, AUTOSOMAL RECESSIVE; NADH-DEPENDENT METHEMOGLOBIN REDUCTASE DEFICIENCY. Identifiers: Orphanet 621, MedGen C0268193, MONDO:0009606, OMIM 250800.
CYB5R3-related disorder. Also called: CYB5R3-related condition.

Allele frequency attached by ClinVar (database versions not stated): gnomAD 0.00001 and 0.00005; TOPMed 0.00002; gnomAD exomes 0.00004 and 0.00005; ExAC 0.00007; 1000 Genomes Project 30x 0.00031; 1000 Genomes Project 0.00040.
gnomAD v4.1: 67 of 1,613,880 alleles (0.0042%); highest among the groups gnomAD compares: South Asian, 0.044%; no homozygotes.

Submissions (7):

First Genomix Gene Laboratory, Genetic Diagnostics Department
Classification: Likely pathogenic for Deficiency of cytochrome-b5 reductase. Last evaluated: 2025-03-20. Review status: criteria provided, single submitter. Criteria: ACMG Guidelines, 2015. Collection method: clinical testing. Allele origin: germline. Inheritance: Autosomal recessive inheritance. Affected: no. Observed: 1 variant allele.

Labcorp Genetics (formerly Invitae), Labcorp
Classification: Pathogenic. Last evaluated: 2023-01-24. Review status: criteria provided, single submitter. Criteria: Invitae Variant Classification Sherloc (09022015). Collection method: clinical testing. Allele origin: germline.
Comment: For these reasons, this variant has been classified as Pathogenic. Advanced modeling of protein sequence and biophysical properties (such as structural, functional, and spatial information, amino acid conservation, physicochemical variation, residue mobility, and thermodynamic stability) has been performed at Invitae for this missense variant, however the output from this modeling did not meet the statistical confidence thresholds required to predict the impact of this variant on CYB5R3 protein function. ClinVar contains an entry for this variant (Variation ID: 1324199). This missense change has been observed in individual(s) with congenital methemoglobinemia (PMID: 29482478). It has also been observed to segregate with disease in related individuals. This variant is present in population databases (rs543277216, gnomAD 0.03%). This sequence change replaces arginine, which is basic and polar, with cysteine, which is neutral and slightly polar, at codon 192 of the CYB5R3 protein (p.Arg192Cys).

PreventionGenetics, part of Exact Sciences
Classification: Likely pathogenic for CYB5R3-related condition. Last evaluated: 2023-01-06. Review status: criteria provided, single submitter. Criteria: ACMG Guidelines, 2015. Collection method: clinical testing. Allele origin: germline.
Comment: The CYB5R3 c.574C>T variant is predicted to result in the amino acid substitution p.Arg192Cys. This variant was reported in the homozygous state in eight patients from four families with methaemoglobinaemia 1 (Kedar et al 2018. PubMed ID: 29482478). This variant is reported in 0.029% of alleles in individuals of South Asian descent in gnomAD. This variant is interpreted as likely pathogenic.

Genetics and Molecular Pathology, SA Pathology
Classification: Likely pathogenic for Deficiency of cytochrome-b5 reductase. Last evaluated: 2022-12-13. Review status: criteria provided, single submitter. Criteria: ACMG Guidelines, 2015. Collection method: clinical testing. Allele origin: germline. Inheritance: Autosomal recessive inheritance. Affected: yes.
Comment: The CYB5R3 c.574C>T variant is classified as Likely Pathogenic (PP1_Strong, PM1, PP4) The CYB5R3 c.574C>T variant is a single nucleotide change in exon 7/9 of the CYB5R3 gene, which is predicted to change the amino acid arginine at position 192 in the protein to cysteine. This variant has been reported in homozygous state in 8 patients with methemoglobinemia type 1 from 4 unrelated families (PMID:29482478) (PP1_strong). This variant is located in the conserved in NADH-binding domain (PM1). The clinical features of this case are highly specific for the CYB5R3, the family history is consistent with the mode of inheritance of this condition and this patient has a well-defined syndrome with little overlap with other clinical presentations (PP4). The variant has been reported in dbSNP (rs543277216), in population databases (gnomAD 8/152180, 0 homozygotes) and in the HGMD database as disease causing (CM184880). It has not been reported in ClinVar.

Fulgent Genetics
Classification: Pathogenic for Deficiency of cytochrome-b5 reductase. Last evaluated: 2022-02-09. Review status: criteria provided, single submitter. Criteria: ACMG Guidelines, 2015. Collection method: clinical testing. Allele origin: unknown.

Revvity Omics, Revvity
Classification: Likely pathogenic for Deficiency of cytochrome-b5 reductase. Last evaluated: 2021-08-24. Review status: criteria provided, single submitter. Criteria: ACMG Guidelines, 2015. Collection method: clinical testing. Allele origin: germline.

Neuberg Centre For Genomic Medicine, NCGM
Classification: Pathogenic for Deficiency of cytochrome-b5 reductase. Review status: criteria provided, single submitter. Criteria: ACMG Guidelines, 2015. Collection method: clinical testing. Allele origin: germline. Inheritance: Autosomal recessive inheritance. Affected: yes.
Comment: The missense variant c.673C>T (p.Arg225Cys) in CYB5R3 gene has been reported previously in homozygous state in multiple individuals. The variant is present in the gnomAD exomes database with a frequency of 0.005%. The amino acid Arg at position 225 is changed to a Cys changing protein sequence and it might alter its composition and physico-chemical properties. The variant is predicted to be damaging by both SIFT and PolyPhen2. The residue is conserved across species. The amino acid change p.Arg225Cys in CYB5R3 is predicted as conserved by GERP++ and PhyloP across 100 vertebrates. For these reasons, this variant has been classified as Pathogenic.

Literature cited by the submitters: PubMed 29482478 (cited by Labcorp Genetics (formerly Invitae), Labcorp and Genetics and Molecular Pathology, SA Pathology).